The following is an entry in ClinVar:

ClinVar aggregate classification (germline): Likely pathogenic. Review status: criteria provided, single submitter (1 of 4 stars). 2 submissions from 2 submitters: Likely pathogenic (1). 1 of the submissions does not count toward it. Last evaluated 2025-05-13.

Conditions:
Ehlers-Danlos syndrome, type 4 (EDSVASC). Also called: Ehlers-Danlos syndrome vascular type; Ehlers Danlos syndrome, ecchymotic type; Ehlers Danlos syndrome, arterial type; Ehlers Danlos syndrome, Sack-Barabas type; Ehlers-Danlos Syndrome Type IV. Identifiers: Orphanet 286, MedGen C0268338, MONDO:0017314, OMIM 130050.

Submissions (2):

GeneDx
Classification: Likely pathogenic. Last evaluated: 2025-05-13. Review status: criteria provided, single submitter. Criteria: GeneDx Variant Classification Process June 2021. Collection method: clinical testing. Allele origin: germline. Affected: yes.
Comment: Occurs in the triple helical domain and replaces the glycine in the canonical Gly-X-Y repeat; missense substitution of a canonical glycine residue is expected to disrupt normal protein folding and function, and this is an established mechanism of disease (HGMD); Not observed at significant frequency in large population cohorts (gnomAD); In silico analysis supports that this missense variant has a deleterious effect on protein structure/function; Reported in association with EDS in published literature (PMID: 24922459); This variant is associated with the following publications: (PMID: 24922459)

Collagen Diagnostic Laboratory, University of Washington
Classification: Pathogenic for Ehlers-Danlos syndrome, type 4. Review status: no assertion criteria provided. Collection method: clinical testing. Allele origin: germline. Affected: yes. Not counted in ClinVar's aggregate classification.

NM_000090.4(COL3A1):c.2555G>A (p.Gly852Asp)

Gene: COL3A1 (collagen type III alpha 1 chain; plus strand). Cytogenetic location: 2q32.2.
Variant type: single nucleotide variant.
Coding change: c.2555G>A on transcript NM_000090.4 (MANE Select); coding-DNA position 2555, G replaced by A.
Protein change: p.Gly852Asp; replaces glycine 852 with aspartic acid.
Molecular consequence: missense variant.
Genome position (GRCh38, 1-based): chr2:189,003,412, G>A. VCF-style: chr2-189003412-G-A. GRCh37 (hg19) VCF-style: chr2-189868138-G-A.
Identifiers: ClinVar variation 101190 (VCV000101190.3), dbSNP rs587779494, ClinGen allele CA005507.